The following is an entry in ClinVar:

NM_015272.5(RPGRIP1L):c.2823A>G (p.Pro941=)

Gene: RPGRIP1L (RPGRIP1 like; minus strand). Cytogenetic location: 16q12.2.
Variant type: single nucleotide variant.
Coding change: c.2823A>G on transcript NM_015272.5 (MANE Select); coding-DNA position 2823, A replaced by G.
Protein change: p.Pro941=; no amino-acid change (proline 941 retained).
Molecular consequence: synonymous variant.
Genome position (GRCh38, 1-based): chr16:53,641,336, T>C on the plus strand (A>G on the coding strand, the complement: RPGRIP1L is on the minus strand). VCF-style: chr16-53641336-T-C. GRCh37 (hg19) VCF-style: chr16-53675248-T-C.
Other names: c.2823A>G, p.Pro941= (NM_001127897.4, NM_001308334.3, NM_001330538.2); c.2823A>G (NM_015272.4).
Identifiers: ClinVar variation 1156348 (VCV001156348.10), dbSNP rs1966206646, ClinGen allele CA495784269.

ClinVar aggregate classification (germline): Likely benign. Review status: criteria provided, single submitter (1 of 4 stars). 2 submissions from 2 submitters: Likely benign (1). 1 of the submissions does not count toward it. Last evaluated 2025-08-29.

Conditions:
RPGRIP1L-related disorder. Also called: RPGRIP1L-related disorders; RPGRIP1L-related condition. Identifiers: MedGen CN239416.
Meckel-Gruber syndrome. Also called: DYSENCEPHALIA SPLANCHNOCYSTICA; Dysencephalia splachnocystica; GRUBER SYNDROME. Identifiers: Orphanet 564, MedGen C0265215, MONDO:0018921.
Joubert syndrome. Also called: JOUBERT-BOLTSHAUSER SYNDROME; Familial aplasia of the vermis. Identifiers: Orphanet 475, MedGen C5979921, MONDO:0018772.

Allele frequency attached by ClinVar (database versions not stated): gnomAD exomes below 0.00001; TOPMed below 0.00001.

Submissions (2):

Labcorp Genetics (formerly Invitae), Labcorp
Classification: Likely benign for Joubert syndrome; Meckel-Gruber syndrome. Last evaluated: 2025-08-29. Review status: criteria provided, single submitter. Criteria: Invitae Variant Classification Sherloc (09022015). Collection method: clinical testing. Allele origin: germline.

PreventionGenetics, part of Exact Sciences
Classification: Likely benign for RPGRIP1L-related condition. Last evaluated: 2024-04-17. Review status: no assertion criteria provided. Collection method: clinical testing. Allele origin: germline. Not counted in ClinVar's aggregate classification.
Comment: This variant is classified as likely benign based on ACMG/AMP sequence variant interpretation guidelines (Richards et al. 2015 PMID: 25741868, with internal and published modifications).